The following is an entry in ClinVar:

NM_000059.4(BRCA2):c.214_216del (p.Asn72del)

Gene: BRCA2 (BRCA2 DNA repair associated; plus strand). Cytogenetic location: 13q13.1.
Variant type: Deletion.
Coding change: c.214_216del on transcript NM_000059.4 (MANE Select); coding-DNA positions 214 to 216, 3 bases deleted (AAT; older notation c.214_216delAAT).
Protein change: p.Asn72del; deletes asparagine 72.
Molecular consequence: inframe deletion.
Genome position (GRCh38, 1-based): chr13:32,319,223-32,319,225, AAT deleted; deleting any 3 consecutive bases within chr13:32,319,221-32,319,225 gives the same sequence; the c. name uses the placement nearest the transcript's 3' end. VCF-style (leftmost placement, unchanged base first): chr13-32319220-TATA-T. GRCh37 (hg19) VCF-style: chr13-32893357-TATA-T.
Other names: short protein forms N72del.
Identifiers: ClinVar variation 1475423 (VCV001475423.10), dbSNP rs2138704899, ClinGen allele CA2573149294.

ClinVar aggregate classification (germline): Uncertain significance. Review status: criteria provided, multiple submitters, no conflicts (2 of 4 stars). 2 submissions from 2 submitters: Uncertain significance (2). Last evaluated 2022-07-08.

Conditions:
Hereditary cancer-predisposing syndrome. Also called: Neoplastic Syndromes, Hereditary; Hereditary Cancer Syndrome; Tumor predisposition; Hereditary neoplastic syndrome. Identifiers: Orphanet 140162, MedGen C0027672, MeSH D009386, MONDO:0015356.
Hereditary breast ovarian cancer syndrome. Also called: Breast and ovarian cancer; Hereditary breast and ovarian cancer; Hereditary breast and ovarian cancer syndrome; Hereditary breast and ovarian cancer syndrome (HBOC); BRCA1- and BRCA2-Associated Hereditary Breast and Ovarian Cancer; Hereditary breast and/or ovarian cancer syndrome. Identifiers: Orphanet 145, MedGen C0677776, MeSH D061325, MONDO:0003582. Disease mechanism: loss of function.

Submissions (2):

Ambry Genetics
Classification: Uncertain significance for Hereditary cancer-predisposing syndrome. Last evaluated: 2022-07-08. Review status: criteria provided, single submitter. Criteria: Ambry Variant Classification Scheme 2023. Collection method: clinical testing. Allele origin: germline.
Comment: The c.214_216delAAT variant (also known as p.N72del) is located in coding exon 2 of the BRCA2 gene. This variant results from an in-frame AAT deletion at nucleotide positions 214 to 216. This results in the in-frame deletion of an asparagine at codon 72. This amino acid position is poorly conserved in available vertebrate species. In addition, the in silico prediction for this alteration is inconclusive (Choi Y et al. PLoS ONE. 2012; 7(10):e46688). Since supporting evidence is limited at this time, the clinical significance of this alteration remains unclear.

Labcorp Genetics (formerly Invitae), Labcorp
Classification: Uncertain significance for Hereditary breast ovarian cancer syndrome. Last evaluated: 2021-08-27. Review status: criteria provided, single submitter. Criteria: Invitae Variant Classification Sherloc (09022015). Collection method: clinical testing. Allele origin: germline.
Comment: In summary, the available evidence is currently insufficient to determine the role of this variant in disease. Therefore, it has been classified as a Variant of Uncertain Significance. Experimental studies and prediction algorithms are not available or were not evaluated, and the functional significance of this variant is currently unknown. This variant has not been reported in the literature in individuals with BRCA2-related conditions. This variant is not present in population databases (ExAC no frequency). This variant, c.214_216del, results in the deletion of 1 amino acid(s) of the BRCA2 protein (p.Asn72del), but otherwise preserves the integrity of the reading frame.